The following is an entry in ClinVar:

NM_001039141.3(TRIOBP):c.587G>C (p.Arg196Thr)

Gene: TRIOBP (TRIO and F-actin binding protein; plus strand). Cytogenetic location: 22q13.1.
Variant type: single nucleotide variant.
Coding change: c.587G>C on transcript NM_001039141.3 (MANE Select); coding-DNA position 587, G replaced by C.
Protein change: p.Arg196Thr; replaces arginine 196 with threonine.
Molecular consequence: missense variant.
Genome position (GRCh38, 1-based): chr22:37,715,893, G>C. VCF-style: chr22-37715893-G-C. GRCh37 (hg19) VCF-style: chr22-38111900-G-C.
Other names: short protein forms R196T.
Identifiers: ClinVar variation 1223794 (VCV001223794.9), dbSNP rs200786015, ClinGen allele CA10223392.

ClinVar aggregate classification (germline): Uncertain significance. Review status: criteria provided, multiple submitters, no conflicts (2 of 4 stars). 3 submissions from 3 submitters: Uncertain significance (3). Last evaluated 2025-11-21.

Conditions:
TRIOBP-related disorder. Also called: TRIOBP-related condition.

Allele frequency attached by ClinVar (database versions not stated): ExAC 0.00001; gnomAD 0.00005 and 0.00006; TOPMed 0.00006; ESP Exome Variant Server 0.00017.
gnomAD v4.1: 109 of 1,613,436 alleles (0.0068%); highest among the groups gnomAD compares: Non-Finnish European, 0.0086%; no homozygotes.

Submissions (3):

PreventionGenetics, part of Exact Sciences
Classification: Uncertain significance for TRIOBP-related condition. Last evaluated: 2025-11-21. Review status: criteria provided, single submitter. Criteria: ACMG Guidelines, 2015. Collection method: clinical testing. Allele origin: germline.
Comment: The TRIOBP c.587G>C variant is predicted to result in the amino acid substitution p.Arg196Thr. To our knowledge, this variant has not been reported in the literature. This variant is reported in 0.0041% of alleles in individuals of African descent in gnomAD. At this time, the clinical significance of this variant is uncertain due to the absence of conclusive functional and genetic evidence.

GeneDx
Classification: Uncertain significance. Last evaluated: 2024-11-24. Review status: criteria provided, single submitter. Criteria: GeneDx Variant Classification Process June 2021. Collection method: clinical testing. Allele origin: germline. Affected: yes.
Comment: Not observed at significant frequency in large population cohorts (gnomAD); In silico analysis indicates that this missense variant does not alter protein structure/function; Has not been previously published as pathogenic or benign to our knowledge

Labcorp Genetics (formerly Invitae), Labcorp
Classification: Uncertain significance. Last evaluated: 2024-01-26. Review status: criteria provided, single submitter. Criteria: Invitae Variant Classification Sherloc (09022015). Collection method: clinical testing. Allele origin: germline.
Comment: This sequence change replaces arginine, which is basic and polar, with threonine, which is neutral and polar, at codon 196 of the TRIOBP protein (p.Arg196Thr). This variant is present in population databases (rs200786015, gnomAD 0.004%). This variant has not been reported in the literature in individuals affected with TRIOBP-related conditions. ClinVar contains an entry for this variant (Variation ID: 1223794). An algorithm developed to predict the effect of missense changes on protein structure and function (PolyPhen-2) suggests that this variant is likely to be tolerated. In summary, the available evidence is currently insufficient to determine the role of this variant in disease. Therefore, it has been classified as a Variant of Uncertain Significance.